The following is an entry in ClinVar:

ClinVar aggregate classification (germline): Uncertain significance (1 of 4 stars; one submission).

Submission:

Labcorp Genetics (formerly Invitae), Labcorp
Classification: Uncertain significance. Last evaluated: 2022-08-27. Review status: criteria provided, single submitter. Criteria: Invitae Variant Classification Sherloc (09022015). Collection method: clinical testing. Allele origin: germline.
Comment: In summary, the available evidence is currently insufficient to determine the role of this variant in disease. Therefore, it has been classified as a Variant of Uncertain Significance. Algorithms developed to predict the effect of missense changes on protein structure and function (SIFT, PolyPhen-2, Align-GVGD) all suggest that this variant is likely to be disruptive. This variant has not been reported in the literature in individuals affected with NEXMIF-related conditions. This variant is not present in population databases (gnomAD no frequency). This sequence change replaces threonine, which is neutral and polar, with serine, which is neutral and polar, at codon 145 of the NEXMIF protein (p.Thr145Ser).

NM_001008537.3(NEXMIF):c.434C>G (p.Thr145Ser)

Gene: NEXMIF (neurite extension and migration factor; minus strand). Cytogenetic location: Xq13.3.
Variant type: single nucleotide variant.
Coding change: c.434C>G on transcript NM_001008537.3 (MANE Select); coding-DNA position 434, C replaced by G.
Protein change: p.Thr145Ser; replaces threonine 145 with serine.
Molecular consequence: missense variant.
Genome position (GRCh38, 1-based): chrX:74,744,123, G>C on the plus strand (C>G on the coding strand, the complement: NEXMIF is on the minus strand). VCF-style: chrX-74744123-G-C. GRCh37 (hg19) VCF-style: chrX-73963958-G-C.
Other names: short protein forms T145S.
Identifiers: ClinVar variation 2027158 (VCV002027158.4), dbSNP rs2519916685, ClinGen allele CA413673385.
Genomic context (GRCh38, chrX:74,744,123, plus strand): 5'-AGACTGATCCCTGGCTCAGGATCTACTGCATCCTTGGATTCCATGAAGCAGCCTAAGCAA[G>C]TCCGACTTGGCTGCATGAGACAGTCCCCATTCAGAGCTGACATGCCTGCAGGCTCCATTA-3'
Protein context (NP_001008537.1, residues 135-155): NGDCLMQPSR[Thr145Ser]CLGCFMESKD